The following is an entry in ClinVar:

NM_024496.4(IRF2BPL):c.601A>T (p.Lys201Ter)

Gene: IRF2BPL (interferon regulatory factor 2 binding protein like; minus strand). Cytogenetic location: 14q24.3.
Variant type: single nucleotide variant.
Coding change: c.601A>T on transcript NM_024496.4 (MANE Select); coding-DNA position 601, A replaced by T.
Protein change: p.Lys201Ter; replaces lysine 201 with a stop codon.
Molecular consequence: nonsense.
Genome position (GRCh38, 1-based): chr14:77,027,192, T>A on the plus strand (A>T on the coding strand, the complement: IRF2BPL is on the minus strand). VCF-style: chr14-77027192-T-A. GRCh37 (hg19) VCF-style: chr14-77493535-T-A.
Other names: short protein forms K201*.
Identifiers: ClinVar variation 2444029 (VCV002444029.1), dbSNP rs1294641190, ClinGen allele CA390499014.

ClinVar aggregate classification (germline): Likely pathogenic (1 of 4 stars; one submission).

Conditions:
Neurodevelopmental disorder with regression, abnormal movements, loss of speech, and seizures. Identifiers: Orphanet 597623, MedGen C4748127, MONDO:0060759, OMIM 618088.

Submission:

3billion
Classification: Likely pathogenic for Neurodevelopmental disorder with regression, abnormal movements, loss of speech, and seizures. Last evaluated: 2023-02-23. Review status: criteria provided, single submitter. Criteria: ACMG Guidelines, 2015. Collection method: clinical testing. Allele origin: unknown. Affected: yes.
Comment: The variant is not observed in the gnomAD v2.1.1 dataset. This variant was predicted to result in a loss or disruption of normal protein function through protein truncation. Multiple pathogenic variants are reported in the predicted truncated region. Therefore, this variant is classified as Likely pathogenic according to the recommendation of ACMG/AMP guideline.